The following is an entry in ClinVar:

NM_003183.6(ADAM17):c.1151del (p.Gly383_Leu384insTer)

Gene: ADAM17 (ADAM metallopeptidase domain 17; minus strand). Cytogenetic location: 2p25.1.
Variant type: Deletion.
Coding change: c.1151del on transcript NM_003183.6 (MANE Select); coding-DNA position 1151, one base deleted (T; older notation c.1151delT).
Protein change: p.Gly383_Leu384insTer.
Molecular consequence: nonsense.
Genome position (GRCh38, 1-based): chr2:9,517,941, A deleted on the plus strand (T on the coding strand, the reverse complement: ADAM17 is on the minus strand); the first of 3 consecutive A bases (chr2:9,517,941-9,517,943); deleting any one gives the same sequence. VCF-style (leftmost placement, unchanged base first): chr2-9517940-CA-C. GRCh37 (hg19) VCF-style: chr2-9658069-CA-C.
Other names: c.491del, p.Gly163_Leu164insTer (NM_001382777.1); c.254del, p.Gly84_Leu85insTer (NM_001382778.1).
Identifiers: ClinVar variation 2812323 (VCV002812323.3), dbSNP rs1249324100, ClinGen allele CA895693494.

ClinVar aggregate classification (germline): Pathogenic (1 of 4 stars; one submission).

Conditions:
Inflammatory skin and bowel disease, neonatal, 1. Identifiers: Orphanet 294023, MedGen C3280501, MONDO:0013693, OMIM 614328.

Submission:

Labcorp Genetics (formerly Invitae), Labcorp
Classification: Pathogenic for Inflammatory skin and bowel disease, neonatal, 1. Last evaluated: 2022-11-06. Review status: criteria provided, single submitter. Criteria: Invitae Variant Classification Sherloc (09022015). Collection method: clinical testing. Allele origin: germline.
Comment: For these reasons, this variant has been classified as Pathogenic. This variant has not been reported in the literature in individuals affected with ADAM17-related conditions. This variant is not present in population databases (gnomAD no frequency). This sequence change creates a premature translational stop signal (p.Leu384*) in the ADAM17 gene. It is expected to result in an absent or disrupted protein product. Loss-of-function variants in ADAM17 are known to be pathogenic (PMID: 22010916, 25804906).

Literature cited by the submitters: PubMed 22010916; PubMed 25804906.